The following is an entry in ClinVar:

NM_000260.4(MYO7A):c.3954C>T (p.His1318=)

Gene: MYO7A (myosin VIIA; plus strand). Cytogenetic location: 11q13.5.
Variant type: single nucleotide variant.
Coding change: c.3954C>T on transcript NM_000260.4 (MANE Select); coding-DNA position 3954, C replaced by T.
Protein change: p.His1318=; no amino-acid change (histidine 1318 retained).
Molecular consequence: synonymous variant.
Genome position (GRCh38, 1-based): chr11:77,192,080, C>T. VCF-style: chr11-77192080-C-T. GRCh37 (hg19) VCF-style: chr11-76903125-C-T.
Other names: c.3954C>T, p.His1318= (NM_001127180.2); c.3921C>T, p.His1307= (NM_001369365.1).
Identifiers: ClinVar variation 799469 (VCV000799469.18), dbSNP rs749218462, ClinGen allele CA6198272.
Genomic context (GRCh38, chr11:77,192,080, plus strand): 5'-GTGCCTGCTCCCCTCCCCTCTGTGCCCACAGGTGTCCTCCCTGGGCAGCGGCAGTGACCA[C>T]GTCATGGACGCCATCTCCCAGTGCGAGCAGTACGCCAAGGAGCAGGGCGCCCAGGAGCGC-3'
Protein context (NP_000251.3, residues 1308-1328): KVSSLGSGSD[His1318=]VMDAISQCEQ

ClinVar aggregate classification (germline): Likely benign. Review status: criteria provided, multiple submitters, no conflicts (2 of 4 stars). 6 submissions from 6 submitters: Likely benign (4). 2 of the submissions do not count toward it. Last evaluated 2025-08-26.

Conditions:
MYO7A-related disorder. Also called: MYO7A-related disorders.
Usher syndrome type 1B (USH1B). Also called: Usher syndrome type IB. Identifiers: MedGen C1848638, MONDO:0700087.

Allele frequency attached by ClinVar (database versions not stated): ExAC 0.00004; gnomAD exomes 0.00006; gnomAD 0.00007 and 0.00009; TOPMed 0.00010.
gnomAD v4.1: 61 of 1,613,632 alleles (0.0038%); highest among the groups gnomAD compares: African/African-American, 0.019%; no homozygotes.

Submissions (6):

Labcorp Genetics (formerly Invitae), Labcorp
Classification: Likely benign. Last evaluated: 2025-08-26. Review status: criteria provided, single submitter. Criteria: Invitae Variant Classification Sherloc (09022015). Collection method: clinical testing. Allele origin: germline.

Blueprint Genetics
Classification: Likely benign. Last evaluated: 2023-10-17. Review status: criteria provided, single submitter. Criteria: ACMG Guidelines, 2015. Collection method: clinical testing. Allele origin: germline.

GeneDx
Classification: Likely benign. Last evaluated: 2020-04-10. Review status: criteria provided, single submitter. Criteria: GeneDx Variant Classification Process June 2021. Collection method: clinical testing. Allele origin: germline. Affected: yes.

Breakthrough Genomics
Classification: Likely benign. Review status: criteria provided, single submitter. Criteria: ACMG Guidelines, 2015. Collection method: not provided. Allele origin: germline. Inheritance: Autosomal recessive inheritance. Affected: yes.

PreventionGenetics, part of Exact Sciences
Classification: Likely benign for MYO7A-related condition. Last evaluated: 2021-04-08. Review status: no assertion criteria provided. Collection method: clinical testing. Allele origin: germline. Not counted in ClinVar's aggregate classification.
Comment: This variant is classified as likely benign based on ACMG/AMP sequence variant interpretation guidelines (Richards et al. 2015 PMID: 25741868, with internal and published modifications).

Natera, Inc.
Classification: Uncertain significance for Usher syndrome type 1B. Last evaluated: 2020-04-16. Review status: no assertion criteria provided. Collection method: clinical testing. Allele origin: germline. Not counted in ClinVar's aggregate classification.